The following is an entry in ClinVar:

NM_024596.5(MCPH1):c.1260_1265del (p.Asn420_Leu421del)

Gene: MCPH1 (microcephalin 1; plus strand). Cytogenetic location: 8p23.1.
Variant type: Deletion.
Coding change: c.1260_1265del on transcript NM_024596.5 (MANE Select); coding-DNA positions 1260 to 1265, 6 bases deleted (TCTTAA; older notation c.1260_1265delTCTTAA).
Protein change: p.Asn420_Leu421del.
Molecular consequence: inframe deletion. On other transcripts: non-coding transcript variant (1).
Genome position (GRCh38, 1-based): chr8:6,444,982-6,444,987, TCTTAA deleted; deleting any 6 consecutive bases within chr8:6,444,979-6,444,987 gives the same sequence; the c. name uses the placement nearest the transcript's 3' end. VCF-style (leftmost placement, unchanged base first): chr8-6444978-ATAATCT-A. GRCh37 (hg19) VCF-style: chr8-6302499-ATAATCT-A.
Other names: c.1260_1265del, p.Asn420_Leu421del (NM_001172574.2, NM_001322042.2, NM_001363979.1 and 3 more transcripts); c.1116_1121del, p.Asn372_Leu373del (NM_001172575.2); c.1254_1259del, p.Asn418_Leu419del (NM_001322043.2); c.1158_1163del, p.Asn386_Leu387del (NM_001322045.2).
Identifiers: ClinVar variation 5003971 (VCV005003971.1).

ClinVar aggregate classification (germline): Uncertain significance (1 of 4 stars; one submission).

Conditions:
Microcephaly 1, primary, autosomal recessive (MCPH1). Also called: PREMATURE CHROMOSOME CONDENSATION SYNDROME; PCC SYNDROME; PREMATURE CHROMOSOME CONDENSATION WITH MICROCEPHALY AND MENTAL RETARDATION. Identifiers: Orphanet 2512, MedGen C1855081, MONDO:0009617, OMIM 251200.

Submission:

Myriad Genetics, Inc.
Classification: Uncertain significance for Microcephaly 1, primary, autosomal recessive. Last evaluated: 2025-12-08. Review status: criteria provided, single submitter. Criteria: Myriad Autosomal Dominant, Autosomal Recessive and X-Linked Classification Criteria (2023). Collection method: clinical testing. Allele origin: unknown.
Comment: NM_024596.3(MCPH1):c.1260_1265del6(N420_L421del) is an in-frame deletion classified as a variant of uncertain significance in the context of primary microcephaly, MCPH1-related. N420_L421del has not been observed in cases with relevant disease. Relevant functional assessments of this variant are not available in the literature. N420_L421del has not been observed in referenced population frequency databases. In summary, there is insufficient evidence to classify NM_024596.3(MCPH1):c.1260_1265del6(N420_L421del) as pathogenic or benign. Please note: this variant was assessed in the context of healthy population screening.